The following is an entry in ClinVar:

ClinVar aggregate classification (germline): Uncertain significance. Review status: criteria provided, multiple submitters, no conflicts (2 of 4 stars). 2 submissions from 2 submitters: Uncertain significance (2). Last evaluated 2024-02-17.

Allele frequency attached by ClinVar (database versions not stated): gnomAD exomes below 0.00001.
gnomAD v4.1: 1 of 1,613,968 alleles (0.000062%); highest among the groups gnomAD compares: Non-Finnish European, 0.000085%; no homozygotes.

Submissions (2):

Labcorp Genetics (formerly Invitae), Labcorp
Classification: Uncertain significance. Last evaluated: 2024-02-17. Review status: criteria provided, single submitter. Criteria: Invitae Variant Classification Sherloc (09022015). Collection method: clinical testing. Allele origin: germline.
Comment: This sequence change replaces cysteine, which is neutral and slightly polar, with serine, which is neutral and polar, at codon 330 of the TWNK protein (p.Cys330Ser). This variant is not present in population databases (gnomAD no frequency). This variant has not been reported in the literature in individuals affected with TWNK-related conditions. ClinVar contains an entry for this variant (Variation ID: 1373218). Advanced modeling of protein sequence and biophysical properties (such as structural, functional, and spatial information, amino acid conservation, physicochemical variation, residue mobility, and thermodynamic stability) performed at Invitae indicates that this missense variant is expected to disrupt TWNK protein function with a positive predictive value of 95%. In summary, the available evidence is currently insufficient to determine the role of this variant in disease. Therefore, it has been classified as a Variant of Uncertain Significance.

Blueprint Genetics
Classification: Uncertain significance. Last evaluated: 2019-08-12. Review status: criteria provided, single submitter. Criteria: ACMG Guidelines, 2015. Collection method: clinical testing. Allele origin: germline.

NM_021830.5(TWNK):c.989G>C (p.Cys330Ser)

Gene: TWNK (twinkle mtDNA helicase; plus strand). Cytogenetic location: 10q24.31.
Variant type: single nucleotide variant.
Coding change: c.989G>C on transcript NM_021830.5 (MANE Select); coding-DNA position 989, G replaced by C.
Protein change: p.Cys330Ser; replaces cysteine 330 with serine.
Molecular consequence: missense variant. On other transcripts: non-coding transcript variant (4), intron variant (3).
Genome position (GRCh38, 1-based): chr10:100,989,199, G>C. VCF-style: chr10-100989199-G-C. GRCh37 (hg19) VCF-style: chr10-102748956-G-C.
Other names: c.989G>C, p.Cys330Ser (NM_001163812.2); c.-119-445G>C (NM_001163814.2, NM_001163813.2); c.-57-507G>C (NM_001368275.1); short protein forms C330S.
Identifiers: ClinVar variation 1373218 (VCV001373218.9), dbSNP rs1851690067, ClinGen allele CA378208986.